The following is an entry in ClinVar:

NM_006218.4(PIK3CA):c.1667A>G (p.His556Arg)

Gene: PIK3CA (phosphatidylinositol-4,5-bisphosphate 3-kinase catalytic subunit alpha; plus strand). Cytogenetic location: 3q26.32.
Variant type: single nucleotide variant.
Coding change: c.1667A>G on transcript NM_006218.4 (MANE Select); coding-DNA position 1667, A replaced by G.
Protein change: p.His556Arg; replaces histidine 556 with arginine.
Molecular consequence: missense variant.
Genome position (GRCh38, 1-based): chr3:179,219,198, A>G. VCF-style: chr3-179219198-A-G. GRCh37 (hg19) VCF-style: chr3-178936986-A-G.
Other names: short protein forms H556R.
Identifiers: ClinVar variation 4627609 (VCV004627609.1).

ClinVar aggregate classification (germline): Uncertain significance (1 of 4 stars; one submission).

Conditions:
Inborn genetic diseases. Identifiers: MedGen C0950123, MeSH D030342.

Submission:

Ambry Genetics
Classification: Uncertain significance for Inborn genetic diseases. Last evaluated: 2025-12-03. Review status: criteria provided, single submitter. Criteria: Ambry Variant Classification Scheme 2023. Collection method: clinical testing. Allele origin: germline.
Comment: The p.H556R variant (also known as c.1667A>G), located in coding exon 10 of the PIK3CA gene, results from an A to G substitution at nucleotide position 1667. The histidine at codon 556 is replaced by arginine, an amino acid with highly similar properties. This amino acid position is conserved. In addition, the in silico prediction for this alteration is inconclusive. Based on the available evidence, the clinical significance of this variant remains unclear.